The following is an entry in ClinVar:

ClinVar aggregate classification (germline): Uncertain significance (1 of 4 stars; one submission).

gnomAD v4.1: 1 of 1,614,184 alleles (0.000062%); highest among the groups gnomAD compares: Non-Finnish European, 0.000085%; no homozygotes.

Submission:

CeGaT Center for Human Genetics Tuebingen
Classification: Uncertain significance. Last evaluated: 2024-10-01. Review status: criteria provided, single submitter. Criteria: CeGaT Center For Human Genetics Tuebingen Variant Classification Criteria Version 2. Collection method: clinical testing. Allele origin: germline. Affected: yes. Observed: 1 variant allele.
Comment: SYNE1: PM2, BP4

NM_182961.4(SYNE1):c.25982A>G (p.Asp8661Gly)

Gene: SYNE1 (spectrin repeat containing nuclear envelope protein 1; minus strand). Cytogenetic location: 6q25.2.
Variant type: single nucleotide variant.
Coding change: c.25982A>G on transcript NM_182961.4 (MANE Select); coding-DNA position 25982, A replaced by G.
Protein change: p.Asp8661Gly; replaces aspartic acid 8661 with glycine.
Molecular consequence: missense variant.
Genome position (GRCh38, 1-based): chr6:152,133,295, T>C on the plus strand (A>G on the coding strand, the complement: SYNE1 is on the minus strand). VCF-style: chr6-152133295-T-C. GRCh37 (hg19) VCF-style: chr6-152454430-T-C.
Other names: c.2588A>G, p.Asp863Gly (NM_001347701.2); c.2516A>G, p.Asp839Gly (NM_001347702.2); c.25838A>G, p.Asp8613Gly (NM_033071.5); short protein forms D839G, D8613G, D863G, D8661G.
Identifiers: ClinVar variation 3389186 (VCV003389186.14).
Genomic context (GRCh38, chr6:152,133,295, plus strand): 5'-CAGTAAGAAATGCTACACGATGATGTCTGTTTATTGCTTACCTGCTGACTACTTGACACG[T>C]CTAATAACTTCTCCAGTTCCTTGATATGACGACTGACCTCCTTCAAGAGAAGTTTGAGCC-3'
Protein context (NP_892006.3, residues 8651-8671): RHIKELEKLL[Asp8661Gly]VSSSQQDLSS